The following is an entry in ClinVar:

ClinVar aggregate classification (germline): Likely benign. Review status: criteria provided, multiple submitters, no conflicts (2 of 4 stars). 6 submissions from 6 submitters: Likely benign (6). Last evaluated 2025-03-04.

Conditions:
Hereditary breast ovarian cancer syndrome. Also called: Hereditary breast and ovarian cancer syndrome; Hereditary breast and ovarian cancer; Hereditary breast and ovarian cancer syndrome (HBOC); Breast and ovarian cancer; Hereditary breast and/or ovarian cancer syndrome; BRCA1- and BRCA2-Associated Hereditary Breast and Ovarian Cancer. Identifiers: Orphanet 145, MedGen C0677776, MeSH D061325, MONDO:0003582. Disease mechanism: loss of function.
BRCA2-related cancer predisposition. Identifiers: MedGen CN377758, MONDO:0700269.
Hereditary cancer-predisposing syndrome. Also called: Neoplastic Syndromes, Hereditary; Tumor predisposition; Hereditary Cancer Syndrome; Hereditary neoplastic syndrome. Identifiers: Orphanet 140162, MedGen C0027672, MeSH D009386, MONDO:0015356.

Allele frequency attached by ClinVar (database versions not stated): gnomAD exomes below 0.00001.
gnomAD v4.1: 1 of 1,603,664 alleles (0.000062%); highest among the groups gnomAD compares: South Asian, 0.0011%; no homozygotes.

Submissions (6):

Center for Genomic Medicine, Rigshospitalet, Copenhagen University Hospital
Classification: Likely benign. Last evaluated: 2025-03-04. Review status: criteria provided, single submitter. Criteria: ACMG Guidelines, 2015. Collection method: clinical testing. Allele origin: germline.

Labcorp Genetics (formerly Invitae), Labcorp
Classification: Likely benign for Hereditary breast ovarian cancer syndrome. Last evaluated: 2024-08-19. Review status: criteria provided, single submitter. Criteria: Invitae Variant Classification Sherloc (09022015). Collection method: clinical testing. Allele origin: germline.

All of Us Research Program, National Institutes of Health
Classification: Likely benign for BRCA2-related cancer predisposition. Last evaluated: 2024-05-14. Review status: criteria provided, single submitter. Criteria: ACMG Guidelines, 2015. Collection method: clinical testing. Allele origin: germline. Inheritance: Autosomal dominant inheritance. Observed: 1 variant allele, 1 heterozygote.
Comment: This study involves interpretation of variants in research participants for the purpose of population health screening. Participant phenotype was not available at the time of variant classification. Additional details can be found in publication PMID: 35346344, PMCID: PMC8962531

Quest Diagnostics Nichols Institute San Juan Capistrano
Classification: Likely benign. Last evaluated: 2019-12-17. Review status: criteria provided, single submitter. Criteria: Quest Diagnostics criteria. Collection method: clinical testing. Allele origin: unknown.

GeneDx
Classification: Likely benign. Last evaluated: 2018-06-12. Review status: criteria provided, single submitter. Criteria: GeneDx Variant Classification (06012015). Collection method: clinical testing. Allele origin: germline. Affected: yes.
Comment: This variant is considered likely benign or benign based on one or more of the following criteria: it is a conservative change, it occurs at a poorly conserved position in the protein, it is predicted to be benign by multiple in silico algorithms, and/or has population frequency not consistent with disease.

Ambry Genetics
Classification: Likely benign for Hereditary cancer-predisposing syndrome. Last evaluated: 2017-06-22. Review status: criteria provided, single submitter. Criteria: Ambry Variant Classification Scheme 2023. Collection method: clinical testing. Allele origin: germline.

NM_000059.4(BRCA2):c.5169T>C (p.Thr1723=)

Gene: BRCA2 (BRCA2 DNA repair associated; plus strand). Cytogenetic location: 13q13.1.
Variant type: single nucleotide variant.
Coding change: c.5169T>C on transcript NM_000059.4 (MANE Select); coding-DNA position 5169, T replaced by C.
Protein change: p.Thr1723=; no amino-acid change (threonine 1723 retained).
Molecular consequence: synonymous variant.
Genome position (GRCh38, 1-based): chr13:32,339,524, T>C. VCF-style: chr13-32339524-T-C. GRCh37 (hg19) VCF-style: chr13-32913661-T-C.
Identifiers: ClinVar variation 483026 (VCV000483026.19), dbSNP rs1555284091, ClinGen allele CA483438308.